The following is an entry in ClinVar:

ClinVar aggregate classification (germline): Likely benign (1 of 4 stars; one submission).

gnomAD v4.1: 26 of 1,174,259 alleles (0.0022%); highest among the groups gnomAD compares: East Asian, 0.018%; no homozygotes.

Submission:

CeGaT Center for Human Genetics Tuebingen
Classification: Likely benign. Last evaluated: 2022-07-01. Review status: criteria provided, single submitter. Criteria: CeGaT Center For Human Genetics Tuebingen Variant Classification Criteria Version 2. Collection method: clinical testing. Allele origin: germline. Affected: yes. Observed: 1 variant allele.
Comment: ADGRG2: BP4

NM_001079858.3(ADGRG2):c.473G>T (p.Arg158Leu)

Gene: ADGRG2 (adhesion G protein-coupled receptor G2; minus strand). Cytogenetic location: Xp22.13.
Variant type: single nucleotide variant.
Coding change: c.473G>T on transcript NM_001079858.3 (MANE Select); coding-DNA position 473, G replaced by T.
Protein change: p.Arg158Leu; replaces arginine 158 with leucine.
Molecular consequence: missense variant.
Genome position (GRCh38, 1-based): chrX:19,023,946, C>A on the plus strand (G>T on the coding strand, the complement: ADGRG2 is on the minus strand). VCF-style: chrX-19023946-C-A. GRCh37 (hg19) VCF-style: chrX-19042064-C-A.
Other names: c.431G>T, p.Arg144Leu (NM_001079859.3); c.407G>T, p.Arg136Leu (NM_001079860.3); c.425G>T, p.Arg142Leu (NM_001184833.2); c.473G>T, p.Arg158Leu (NM_001184834.2); c.359G>T, p.Arg120Leu (NM_001184835.2); c.401G>T, p.Arg134Leu (NM_001184836.2); c.383G>T, p.Arg128Leu (NM_001184837.2); c.464G>T, p.Arg155Leu (NM_005756.4); short protein forms R120L, R128L, R134L, R136L, R142L, R144L, R155L, R158L.
Identifiers: ClinVar variation 2660121 (VCV002660121.24), dbSNP rs147891700, ClinGen allele CA10362723.